The following is an entry in ClinVar:

ClinVar aggregate classification (germline): Uncertain significance. Review status: criteria provided, multiple submitters, no conflicts (2 of 4 stars). 2 submissions from 2 submitters: Uncertain significance (2). Last evaluated 2024-11-12.

gnomAD v4.1: 17 of 1,614,080 alleles (0.0011%); highest among the groups gnomAD compares: South Asian, 0.0033%; no homozygotes.

Submissions (2):

Labcorp Genetics (formerly Invitae), Labcorp
Classification: Uncertain significance. Last evaluated: 2024-11-12. Review status: criteria provided, single submitter. Criteria: Invitae Variant Classification Sherloc (09022015). Collection method: clinical testing. Allele origin: germline.
Comment: This sequence change affects codon 225 of the ABCA4 mRNA. It is a 'silent' change, meaning that it does not change the encoded amino acid sequence of the ABCA4 protein. This variant is present in population databases (rs779850233, gnomAD 0.003%). This variant has not been reported in the literature in individuals affected with ABCA4-related conditions. Algorithms developed to predict the effect of sequence changes on RNA splicing suggest that this variant may create or strengthen a splice site. In summary, the available evidence is currently insufficient to determine the role of this variant in disease. Therefore, it has been classified as a Variant of Uncertain Significance.

Blueprint Genetics
Classification: Uncertain significance. Last evaluated: 2023-01-09. Review status: criteria provided, single submitter. Criteria: ACMG Guidelines, 2015. Collection method: clinical testing. Allele origin: germline.

NM_000350.3(ABCA4):c.675G>A (p.Val225=)

Gene: ABCA4 (ATP binding cassette subfamily A member 4; minus strand). Cytogenetic location: 1p22.1.
Variant type: single nucleotide variant.
Coding change: c.675G>A on transcript NM_000350.3 (MANE Select); coding-DNA position 675, G replaced by A.
Protein change: p.Val225=; no amino-acid change (valine 225 retained).
Molecular consequence: synonymous variant.
Genome position (GRCh38, 1-based): chr1:94,098,887, C>T on the plus strand (G>A on the coding strand, the complement: ABCA4 is on the minus strand). VCF-style: chr1-94098887-C-T. GRCh37 (hg19) VCF-style: chr1-94564443-C-T.
Other names: c.675G>A, p.Val225= (NM_001425324.1).
Identifiers: ClinVar variation 3701591 (VCV003701591.3).